The following is an entry in ClinVar:

ClinVar aggregate classification (germline): Uncertain significance (1 of 4 stars; one submission).

Submission:

GeneDx
Classification: Uncertain significance. Last evaluated: 2023-12-08. Review status: criteria provided, single submitter. Criteria: GeneDx Variant Classification Process June 2021. Collection method: clinical testing. Allele origin: germline. Affected: yes.
Comment: Not observed at significant frequency in large population cohorts (gnomAD); In silico analysis supports that this missense variant has a deleterious effect on protein structure/function; Has not been previously published as pathogenic or benign to our knowledge

NM_014991.6(WDFY3):c.10210C>G (p.Arg3404Gly)

Gene: WDFY3 (WD repeat and FYVE domain containing 3; minus strand). Cytogenetic location: 4q21.23.
Variant type: single nucleotide variant.
Coding change: c.10210C>G on transcript NM_014991.6 (MANE Select); coding-DNA position 10210, C replaced by G.
Protein change: p.Arg3404Gly; replaces arginine 3404 with glycine.
Molecular consequence: missense variant.
Genome position (GRCh38, 1-based): chr4:84,678,217, G>C on the plus strand (C>G on the coding strand, the complement: WDFY3 is on the minus strand). VCF-style: chr4-84678217-G-C. GRCh37 (hg19) VCF-style: chr4-85599370-G-C.
Other names: short protein forms R3404G.
Identifiers: ClinVar variation 3365343 (VCV003365343.1).